The following is an entry in ClinVar:

NM_024529.5(CDC73):c.608A>G (p.Asp203Gly)

Gene: CDC73 (cell division cycle 73; plus strand). Cytogenetic location: 1q31.2.
Variant type: single nucleotide variant.
Coding change: c.608A>G on transcript NM_024529.5 (MANE Select); coding-DNA position 608, A replaced by G.
Protein change: p.Asp203Gly; replaces aspartic acid 203 with glycine.
Molecular consequence: missense variant.
Genome position (GRCh38, 1-based): chr1:193,141,945, A>G. VCF-style: chr1-193141945-A-G. GRCh37 (hg19) VCF-style: chr1-193111075-A-G.
Other names: short protein forms D203G.
Identifiers: ClinVar variation 3227878 (VCV003227878.1), dbSNP rs2527324502, ClinGen allele CA343962498.
Genomic context (GRCh38, chr1:193,141,945, plus strand): 5'-CTGCAATCAAAGCCAAAATTATGGCTAAGAAAAGATCTACTATCAAGACTGATCTAGATG[A>G]TGACATAACTGCCCTTAAACAGAGGAGTTTTGTGGATGCTGAGGTAGATGTGACCCGAGA-3'
Protein context (NP_078805.3, residues 193-213): KRSTIKTDLD[Asp203Gly]DITALKQRSF

ClinVar aggregate classification (germline): Uncertain significance (1 of 4 stars; one submission).

Conditions:
Hereditary cancer-predisposing syndrome. Also called: Neoplastic Syndromes, Hereditary; Tumor predisposition; Hereditary neoplastic syndrome; Hereditary Cancer Syndrome. Identifiers: Orphanet 140162, MedGen C0027672, MeSH D009386, MONDO:0015356.

Submission:

Ambry Genetics
Classification: Uncertain significance for Hereditary cancer-predisposing syndrome. Last evaluated: 2024-02-06. Review status: criteria provided, single submitter. Criteria: Ambry Variant Classification Scheme 2023. Collection method: clinical testing. Allele origin: germline.
Comment: The p.D203G variant (also known as c.608A>G), located in coding exon 7 of the CDC73 gene, results from an A to G substitution at nucleotide position 608. The aspartic acid at codon 203 is replaced by glycine, an amino acid with similar properties. This amino acid position is conserved. In addition, the in silico prediction for this alteration is inconclusive. Based on the available evidence, the clinical significance of this alteration remains unclear.